The following is an entry in ClinVar:

NM_001079802.2(FKTN):c.586G>T (p.Asp196Tyr)

Gene: FKTN (fukutin; plus strand). Cytogenetic location: 9q31.2.
Variant type: single nucleotide variant.
Coding change: c.586G>T on transcript NM_001079802.2 (MANE Select); coding-DNA position 586, G replaced by T.
Protein change: p.Asp196Tyr; replaces aspartic acid 196 with tyrosine.
Molecular consequence: missense variant. On other transcripts: non-coding transcript variant (2).
Genome position (GRCh38, 1-based): chr9:105,604,431, G>T. VCF-style: chr9-105604431-G-T. GRCh37 (hg19) VCF-style: chr9-108366712-G-T.
Other names: c.586G>T, p.Asp196Tyr (NM_001198963.2, NM_001351496.2, NM_001351498.2 and 1 more transcripts); c.517G>T, p.Asp173Tyr (NM_001351497.2); c.190G>T, p.Asp64Tyr (NM_001351499.2, NM_001351500.2, NM_001351501.2 and 1 more transcripts); short protein forms D196Y, D173Y, D64Y.
Identifiers: ClinVar variation 407110 (VCV000407110.7), dbSNP rs756748012, ClinGen allele CA5170441.
Genomic context (GRCh38, chr9:105,604,431, plus strand): 5'-TTTCATGAGAGGAGTGGCAACTACCTCTGGCACGGCCACTTGAGACTTAAAGAACACATT[G>T]ACAGGAAATTTGTTCCCTTCCGAAAGTTACAGTTTGGTCGTTATCCAGGAGCTTTTGACA-3'
Protein context (NP_001073270.1, residues 186-206): HGHLRLKEHI[Asp196Tyr]RKFVPFRKLQ

ClinVar aggregate classification (germline): Uncertain significance. Review status: criteria provided, multiple submitters, no conflicts (2 of 4 stars). 3 submissions from 3 submitters: Uncertain significance (2). 1 of the submissions does not count toward it. Last evaluated 2024-05-16.

Conditions:
Cardiovascular phenotype. Identifiers: MedGen CN230736.
Walker-Warburg congenital muscular dystrophy. Also called: Muscular dystrophy-dystroglycanopathy, type A; Walker-Warburg syndrome. Identifiers: Orphanet 899, MedGen C0265221, MONDO:0000171.

Allele frequency attached by ClinVar (database versions not stated): TOPMed below 0.00001; gnomAD exomes 0.00001.
gnomAD v4.1: 4 of 1,614,008 alleles (0.00025%); highest among the groups gnomAD compares: Admixed American, 0.005%; no homozygotes.

Submissions (3):

Ambry Genetics
Classification: Uncertain significance for Cardiovascular phenotype. Last evaluated: 2024-05-16. Review status: criteria provided, single submitter. Criteria: Ambry Variant Classification Scheme 2023. Collection method: clinical testing. Allele origin: germline.

Labcorp Genetics (formerly Invitae), Labcorp
Classification: Uncertain significance for Walker-Warburg congenital muscular dystrophy. Last evaluated: 2022-10-13. Review status: criteria provided, single submitter. Criteria: Invitae Variant Classification Sherloc (09022015). Collection method: clinical testing. Allele origin: germline.
Comment: This sequence change replaces aspartic acid, which is acidic and polar, with tyrosine, which is neutral and polar, at codon 196 of the FKTN protein (p.Asp196Tyr). This variant is present in population databases (rs756748012, gnomAD 0.009%). This variant has not been reported in the literature in individuals affected with FKTN-related conditions. ClinVar contains an entry for this variant (Variation ID: 407110). Advanced modeling of protein sequence and biophysical properties (such as structural, functional, and spatial information, amino acid conservation, physicochemical variation, residue mobility, and thermodynamic stability) performed at Invitae indicates that this missense variant is expected to disrupt FKTN protein function. In summary, the available evidence is currently insufficient to determine the role of this variant in disease. Therefore, it has been classified as a Variant of Uncertain Significance.

Natera, Inc.
Classification: Uncertain significance for Walker-Warburg congenital muscular dystrophy. Last evaluated: 2019-10-28. Review status: no assertion criteria provided. Collection method: clinical testing. Allele origin: germline. Not counted in ClinVar's aggregate classification.